The following is an entry in ClinVar:

NM_005982.4(SIX1):c.421G>A (p.Glu141Lys)

Gene: SIX1 (SIX homeobox 1; minus strand). Cytogenetic location: 14q23.1.
Variant type: single nucleotide variant.
Coding change: c.421G>A on transcript NM_005982.4 (MANE Select); coding-DNA position 421, G replaced by A.
Protein change: p.Glu141Lys; replaces glutamic acid 141 with lysine.
Molecular consequence: missense variant.
Genome position (GRCh38, 1-based): chr14:60,648,769, C>T on the plus strand (G>A on the coding strand, the complement: SIX1 is on the minus strand). VCF-style: chr14-60648769-C-T. GRCh37 (hg19) VCF-style: chr14-61115487-C-T.
Other names: c.421G>A (NM_005982.3); short protein forms E141K.
Identifiers: ClinVar variation 2161106 (VCV002161106.8), dbSNP rs761906849, ClinGen allele CA7212816.

ClinVar aggregate classification (germline): Uncertain significance. Review status: criteria provided, multiple submitters, no conflicts (2 of 4 stars). 4 submissions from 4 submitters: Uncertain significance (4). Last evaluated 2026-03-18.

Conditions:
SIX1-related disorder. Also called: SIX1-related condition.
Autosomal dominant nonsyndromic hearing loss 23. Identifiers: Orphanet 90635, MedGen C1854594, MONDO:0011519, OMIM 605192.
Branchiootic syndrome 3 (BOS3). Also called: BO SYNDROME 3. Identifiers: MedGen C1842124, MONDO:0012025, OMIM 608389.

Allele frequency attached by ClinVar (database versions not stated): ExAC 0.00001.
gnomAD v4.1: 61 of 1,614,150 alleles (0.0038%); highest among the groups gnomAD compares: Non-Finnish European, 0.0043%; no homozygotes.

Submissions (4):

GeneDx
Classification: Uncertain significance. Last evaluated: 2026-03-18. Review status: criteria provided, single submitter. Criteria: GeneDx Variant Classification Process June 2021. Collection method: clinical testing. Allele origin: germline.
Comment: In silico analysis supports that this missense variant has a deleterious effect on protein structure/function; Has not been previously published as pathogenic or benign to our knowledge

PreventionGenetics, part of Exact Sciences
Classification: Uncertain significance for SIX1-related condition. Last evaluated: 2026-03-10. Review status: criteria provided, single submitter. Criteria: ACMG Guidelines, 2015. Collection method: clinical testing. Allele origin: germline.
Comment: The SIX1 c.421G>A variant is predicted to result in the amino acid substitution p.Glu141Lys. To our knowledge, this variant has not been reported in the literature. An alternative variant at the same codon (p.Glu141Gly) has been reported in an individual with mild bilateral congenital hearing loss (Supplement, Florentine et al. 2022. PubMed ID: 34515852). This variant is reported in 0.0035% of alleles in individuals of European (Non-Finnish) descent in gnomAD. At this time, the clinical significance of this variant is uncertain due to the absence of conclusive functional and genetic evidence.

Fulgent Genetics
Classification: Uncertain significance for Autosomal dominant nonsyndromic hearing loss 23; Branchiootic syndrome 3. Last evaluated: 2024-04-23. Review status: criteria provided, single submitter. Criteria: ACMG Guidelines, 2015. Collection method: clinical testing. Allele origin: germline.

Labcorp Genetics (formerly Invitae), Labcorp
Classification: Uncertain significance for Autosomal dominant nonsyndromic hearing loss 23; Branchiootic syndrome 3. Last evaluated: 2022-08-31. Review status: criteria provided, single submitter. Criteria: Invitae Variant Classification Sherloc (09022015). Collection method: clinical testing. Allele origin: germline.
Comment: This sequence change replaces glutamic acid, which is acidic and polar, with lysine, which is basic and polar, at codon 141 of the SIX1 protein (p.Glu141Lys). This variant is present in population databases (rs761906849, gnomAD 0.004%). This variant has not been reported in the literature in individuals affected with SIX1-related conditions. Algorithms developed to predict the effect of missense changes on protein structure and function are either unavailable or do not agree on the potential impact of this missense change (SIFT: "Deleterious"; PolyPhen-2: "Possibly Damaging"; Align-GVGD: "Class C15"). In summary, the available evidence is currently insufficient to determine the role of this variant in disease. Therefore, it has been classified as a Variant of Uncertain Significance.